The following is an entry in ClinVar:

ClinVar aggregate classification (germline): Uncertain significance (1 of 4 stars; one submission).

Conditions:
Familial thoracic aortic aneurysm and aortic dissection (TAAD). Also called: Thoracic aortic aneurysms and dissections. Identifiers: Orphanet 91387, MedGen C4707243, MONDO:0019625.

Submission:

Labcorp Genetics (formerly Invitae), Labcorp
Classification: Uncertain significance for Familial thoracic aortic aneurysm and aortic dissection. Last evaluated: 2024-02-14. Review status: criteria provided, single submitter. Criteria: Invitae Variant Classification Sherloc (09022015). Collection method: clinical testing. Allele origin: germline.
Comment: This sequence change replaces glycine, which is neutral and non-polar, with arginine, which is basic and polar, at codon 374 of the TGFBR1 protein (p.Gly374Arg). This variant is not present in population databases (gnomAD no frequency). This variant has not been reported in the literature in individuals affected with TGFBR1-related conditions. Advanced modeling of protein sequence and biophysical properties (such as structural, functional, and spatial information, amino acid conservation, physicochemical variation, residue mobility, and thermodynamic stability) performed at Invitae indicates that this missense variant is expected to disrupt TGFBR1 protein function with a positive predictive value of 80%. This variant disrupts the p.Gly374 amino acid residue in TGFBR1. Other variant(s) that disrupt this residue have been determined to be pathogenic (PMID: 16928994, 27879313; Invitae). This suggests that this residue is clinically significant, and that variants that disrupt this residue are likely to be disease-causing. In summary, the available evidence is currently insufficient to determine the role of this variant in disease. Therefore, it has been classified as a Variant of Uncertain Significance.

Literature cited by the submitters: PubMed 16928994; PubMed 27879313.

NM_004612.4(TGFBR1):c.1120G>C (p.Gly374Arg)

Gene: TGFBR1 (transforming growth factor beta receptor 1; plus strand). Cytogenetic location: 9q22.33.
Variant type: single nucleotide variant.
Coding change: c.1120G>C on transcript NM_004612.4 (MANE Select); coding-DNA position 1120, G replaced by C.
Protein change: p.Gly374Arg; replaces glycine 374 with arginine.
Molecular consequence: missense variant. On other transcripts: non-coding transcript variant (4).
Genome position (GRCh38, 1-based): chr9:99,144,878, G>C. VCF-style: chr9-99144878-G-C. GRCh37 (hg19) VCF-style: chr9-101907160-G-C.
Other names: c.889G>C, p.Gly297Arg (NM_001130916.3, NM_001407435.1); c.1132G>C, p.Gly378Arg (NM_001306210.2); c.964G>C, p.Gly322Arg (NM_001407416.1); c.952G>C, p.Gly318Arg (NM_001407417.1); c.925G>C, p.Gly309Arg (NM_001407418.1, NM_001407419.1, NM_001407420.1 and 1 more transcripts); c.913G>C, p.Gly305Arg (NM_001407423.1, NM_001407424.1, NM_001407425.1 and 8 more transcripts); c.874G>C, p.Gly292Arg (NM_001407436.1); c.412G>C, p.Gly138Arg (NM_001407437.1); and 1 more; short protein forms G297R, G374R, G378R, G292R, G305R, G309R, G318R, G322R.
Identifiers: ClinVar variation 3640975 (VCV003640975.2).